The following is an entry in ClinVar:

ClinVar aggregate classification (germline): Uncertain significance (1 of 4 stars; one submission).

Conditions:
Developmental and epileptic encephalopathy, 36 (DEE36). Also called: ALG13-CDG; Congenital disorder of glycosylation, type Is; Epileptic encephalopathy, early infantile, 36. Identifiers: Orphanet 324422, MedGen C4317295, MONDO:0010472, OMIM 300884.

gnomAD v4.1: 8 of 1,211,192 alleles (0.00066%); highest among the groups gnomAD compares: Non-Finnish European, 0.00089%; no homozygotes.

Submission:

Labcorp Genetics (formerly Invitae), Labcorp
Classification: Uncertain significance for Developmental and epileptic encephalopathy, 36. Last evaluated: 2025-10-01. Review status: criteria provided, single submitter. Criteria: Invitae Variant Classification Sherloc (09022015). Collection method: clinical testing. Allele origin: germline.
Comment: This sequence change replaces aspartic acid, which is acidic and polar, with asparagine, which is neutral and polar, at codon 14 of the ALG13 protein (p.Asp14Asn). This variant is present in population databases (rs139688782, gnomAD 0.004%), including at least one homozygous and/or hemizygous individual. This variant has not been reported in the literature in individuals affected with ALG13-related conditions. Invitae Evidence Modeling of protein sequence and biophysical properties (such as structural, functional, and spatial information, amino acid conservation, physicochemical variation, residue mobility, and thermodynamic stability) has been performed for this missense variant. However, the output from this modeling did not meet the statistical confidence thresholds required to predict the impact of this variant on ALG13 protein function. In summary, the available evidence is currently insufficient to determine the role of this variant in disease. Therefore, it has been classified as a Variant of Uncertain Significance.

NM_001099922.3(ALG13):c.40G>A (p.Asp14Asn)

Gene: ALG13 (ALG13 UDP-N-acetylglucosaminyltransferase subunit; plus strand). Cytogenetic location: Xq23.
Variant type: single nucleotide variant.
Coding change: c.40G>A on transcript NM_001099922.3 (MANE Select); coding-DNA position 40, G replaced by A.
Protein change: p.Asp14Asn; replaces aspartic acid 14 with asparagine.
Molecular consequence: missense variant. On other transcripts: 5 prime UTR variant (9), non-coding transcript variant (3).
Genome position (GRCh38, 1-based): chrX:111,681,258, G>A. VCF-style: chrX-111681258-G-A. GRCh37 (hg19) VCF-style: chrX-110924486-G-A.
Other names: c.40G>A, p.Asp14Asn (NM_001039210.5, NM_001168385.3, NM_001324290.2 and 2 more transcripts); c.-169G>A (NM_001257230.2, NM_001324291.2); c.-261G>A (NM_001257231.2, NM_001257241.3); c.-294G>A (NM_001257234.2, NM_001257235.3); c.-398G>A (NM_001257237.2, NM_001257240.3, NM_001324293.1); short protein forms D14N.
Identifiers: ClinVar variation 4805388 (VCV004805388.1).
Genomic context (GRCh38, chrX:111,681,258, plus strand): 5'-AGGGCTTGAGGAACCCGCGCCATGAAGTGCGTGTTTGTTACCGTAGGGACCACCAGCTTT[G>A]ACGACCTCATTGCGTGTGTGTCGGCGCCCGACAGTCTGCAAGTGAGTGAGGGAGGCGAGC-3'
Protein context (NP_001093392.1, residues 4-24): VFVTVGTTSF[Asp14Asn]DLIACVSAPD